The following is an entry in ClinVar:

ClinVar aggregate classification (germline): Uncertain significance (1 of 4 stars; one submission).

Submission:

Labcorp Genetics (formerly Invitae), Labcorp
Classification: Uncertain significance. Last evaluated: 2022-03-10. Review status: criteria provided, single submitter. Criteria: Invitae Variant Classification Sherloc (09022015). Collection method: clinical testing. Allele origin: germline.
Comment: This variant is not present in population databases (gnomAD no frequency). This sequence change replaces glutamic acid, which is acidic and polar, with glycine, which is neutral and non-polar, at codon 884 of the CTDP1 protein (p.Glu884Gly). This variant has not been reported in the literature in individuals affected with CTDP1-related conditions. In summary, the available evidence is currently insufficient to determine the role of this variant in disease. Therefore, it has been classified as a Variant of Uncertain Significance. Algorithms developed to predict the effect of missense changes on protein structure and function (SIFT, PolyPhen-2, Align-GVGD) all suggest that this variant is likely to be tolerated.

NM_004715.5(CTDP1):c.2651A>G (p.Glu884Gly)

Gene: CTDP1 (CTD phosphatase subunit 1; plus strand). Cytogenetic location: 18q23.
Variant type: single nucleotide variant.
Coding change: c.2651A>G on transcript NM_004715.5 (MANE Select); coding-DNA position 2651, A replaced by G.
Protein change: p.Glu884Gly; replaces glutamic acid 884 with glycine.
Molecular consequence: missense variant. On other transcripts: intron variant (1).
Genome position (GRCh38, 1-based): chr18:79,736,425, A>G. VCF-style: chr18-79736425-A-G. GRCh37 (hg19) VCF-style: chr18-77496425-A-G.
Other names: c.2294A>G, p.Glu765Gly (NM_001202504.1); c.2488A>G, p.Arg830Gly (NM_048368.4); c.2580+7356A>G (NM_001318511.2); short protein forms R830G, E884G, E765G.
Identifiers: ClinVar variation 2066814 (VCV002066814.4), dbSNP rs2512149795, ClinGen allele CA402834522.
Genomic context (GRCh38, chr18:79,736,425, plus strand): 5'-TCCTTGGAGAAGGCAGCGACGACAGCGACAGCGAGAAGAGGAGGCCTGAGGAGCAGGAGG[A>G]GGAGCCCCAGCCCCGGAAGCCAGGGACCCGCAGGGAGCGGACGCTCGGGGCACCTGCGTC-3'
Protein context (NP_004706.3, residues 874-894): SEKRRPEEQE[Glu884Gly]EPQPRKPGTR